The following is an entry in ClinVar:

NM_001267727.2(ARSG):c.625A>G (p.Ile209Val)

Gene: ARSG (arylsulfatase G; plus strand). Cytogenetic location: 17q24.2.
Variant type: single nucleotide variant.
Coding change: c.625A>G on transcript NM_001267727.2 (MANE Select); coding-DNA position 625, A replaced by G.
Protein change: p.Ile209Val; replaces isoleucine 209 with valine.
Molecular consequence: missense variant.
Genome position (GRCh38, 1-based): chr17:68,356,725, A>G. VCF-style: chr17-68356725-A-G. GRCh37 (hg19) VCF-style: chr17-66352866-A-G.
Other names: c.625A>G, p.Ile209Val (NM_001352899.2, NM_001352900.2, NM_001352901.2 and 8 more transcripts); c.577A>G, p.Ile193Val (NM_001352909.2); short protein forms I193V, I209V.
Identifiers: ClinVar variation 1430173 (VCV001430173.8), dbSNP rs2079050439, ClinGen allele CA400743194.

ClinVar aggregate classification (germline): Uncertain significance (1 of 4 stars; one submission).

Allele frequency attached by ClinVar (database versions not stated): gnomAD exomes below 0.00001; TOPMed below 0.00001.
gnomAD v4.1: 1 of 1,614,168 alleles (0.000062%); highest among the groups gnomAD compares: African/African-American, 0.0013%; no homozygotes.

Submission:

Labcorp Genetics (formerly Invitae), Labcorp
Classification: Uncertain significance. Last evaluated: 2020-12-17. Review status: criteria provided, single submitter. Criteria: Invitae Variant Classification Sherloc (09022015). Collection method: clinical testing. Allele origin: germline.
Comment: In summary, the available evidence is currently insufficient to determine the role of this variant in disease. Therefore, it has been classified as a Variant of Uncertain Significance. Algorithms developed to predict the effect of missense changes on protein structure and function are either unavailable or do not agree on the potential impact of this missense change (SIFT: "Deleterious"; PolyPhen-2: "Possibly Damaging"; Align-GVGD: "Class C0"). This variant has not been reported in the literature in individuals with ARSG-related conditions. This variant is not present in population databases (ExAC no frequency). This sequence change replaces isoleucine with valine at codon 209 of the ARSG protein (p.Ile209Val). The isoleucine residue is highly conserved and there is a small physicochemical difference between isoleucine and valine.